The following is an entry in ClinVar:

NM_003628.6(PKP4):c.2767G>A (p.Gly923Ser)

Genes: PKP4 (plakophilin 4; plus strand), PKP4-AS1 (PKP4 antisense RNA 1; minus strand). Cytogenetic location: 2q24.1.
Variant type: single nucleotide variant.
Coding change: c.2767G>A on transcript NM_003628.6 (MANE Select); coding-DNA position 2767, G replaced by A.
Protein change: p.Gly923Ser; replaces glycine 923 with serine.
Molecular consequence: missense variant.
Genome position (GRCh38, 1-based): chr2:158,669,758, G>A. VCF-style: chr2-158669758-G-A. GRCh37 (hg19) VCF-style: chr2-159526270-G-A.
Other names: c.2767G>A, p.Gly923Ser (NM_001005476.4, NM_001377218.1, NM_001377225.1); c.2764G>A, p.Gly922Ser (NM_001304969.3, NM_001377219.1, NM_001377220.1 and 2 more transcripts); c.1738G>A, p.Gly580Ser (NM_001304970.3); c.2761G>A, p.Gly921Ser (NM_001377222.1, NM_001377223.1); c.2758G>A, p.Gly920Ser (NM_001377224.1); short protein forms G580S, G920S, G921S, G922S, G923S.
Identifiers: ClinVar variation 1795751 (VCV001795751.4), dbSNP rs146222858, ClinGen allele CA1921097.

ClinVar aggregate classification (germline): Uncertain significance (1 of 4 stars; one submission).

Allele frequency attached by ClinVar (database versions not stated): gnomAD 0.00032; ESP Exome Variant Server 0.00038; 1000 Genomes Project 0.00020; TOPMed 0.00029; 1000 Genomes Project 30x 0.00031; ExAC 0.00054.
gnomAD v4.1: 771 of 1,603,228 alleles (0.048%); highest among the groups gnomAD compares: Non-Finnish European, 0.06%; 1 homozygote.

Submission:

Ambry Genetics
Classification: Uncertain significance. Last evaluated: 2025-07-03. Review status: criteria provided, single submitter. Criteria: Ambry Variant Classification Scheme 2023. Collection method: clinical testing. Allele origin: germline.
Comment: The p.G923S variant (also known as c.2767G>A), located in coding exon 16 of the PKP4 gene, results from a G to A substitution at nucleotide position 2767. The glycine at codon 923 is replaced by serine, an amino acid with similar properties. This amino acid position is conserved. In addition, this alteration is predicted to be tolerated by in silico analysis. Since supporting evidence is limited at this time, the clinical significance of this alteration remains unclear.